The following is an entry in ClinVar:

NM_133448.3(TMEM132D):c.618C>A (p.Pro206=)

Gene: TMEM132D (transmembrane protein 132D; minus strand). Cytogenetic location: 12q24.33.
Variant type: single nucleotide variant.
Coding change: c.618C>A on transcript NM_133448.3 (MANE Select); coding-DNA position 618, C replaced by A.
Protein change: p.Pro206=; no amino-acid change (proline 206 retained).
Molecular consequence: synonymous variant.
Genome position (GRCh38, 1-based): chr12:129,700,160, G>T on the plus strand (C>A on the coding strand, the complement: TMEM132D is on the minus strand). VCF-style: chr12-129700160-G-T. GRCh37 (hg19) VCF-style: chr12-130184705-G-T.
Identifiers: ClinVar variation 3046033 (VCV003046033.2), dbSNP rs372463803, ClinGen allele CA6876343.
Genomic context (GRCh38, chr12:129,700,160, plus strand): 5'-GAGCTCCACGGGGGTCCCCTCCGGCTGGTCCACGGACTTCCTCCTCCCGGCAACCACCGT[G>T]GGGGGGCTGAACCAGCTGGACAGGAGCTCCAGCTCGGCCACGCACAGCCCCAGGTCCCCC-3'
Protein context (NP_597705.2, residues 196-216): LELLSSWFSP[Pro206=]TVVAGRRKSV

ClinVar aggregate classification (germline): Likely benign (0 of 4 stars; one submission).

Conditions:
TMEM132D-related disorder. Also called: TMEM132D-related condition.

gnomAD v4.1: 190 of 1,612,820 alleles (0.012%); highest among the groups gnomAD compares: Admixed American, 0.29%; 1 homozygote.

Submission:

PreventionGenetics, part of Exact Sciences
Classification: Likely benign for TMEM132D-related condition. Last evaluated: 2019-03-05. Review status: no assertion criteria provided. Collection method: clinical testing. Allele origin: germline.
Comment: This variant is classified as likely benign based on ACMG/AMP sequence variant interpretation guidelines (Richards et al. 2015 PMID: 25741868, with internal and published modifications).